The following is an entry in ClinVar:

NM_205850.3(SLC24A5):c.1210G>A (p.Val404Met)

Genes: MYEF2 (myelin expression factor 2; minus strand), SLC24A5 (solute carrier family 24 member 5; plus strand). Cytogenetic location: 15q21.1.
Variant type: single nucleotide variant.
Coding change: c.1210G>A on transcript NM_205850.3 (MANE Select); coding-DNA position 1210, G replaced by A.
Protein change: p.Val404Met; replaces valine 404 with methionine.
Molecular consequence: missense variant. On other transcripts: 3 prime UTR variant (2).
Genome position (GRCh38, 1-based): chr15:48,142,058, G>A. VCF-style: chr15-48142058-G-A. GRCh37 (hg19) VCF-style: chr15-48434255-G-A.
Other names: c.*850C>T (NM_001301210.2, NM_016132.5); short protein forms V404M.
Identifiers: ClinVar variation 1488523 (VCV001488523.6), dbSNP rs1009559479, ClinGen allele CA269994948.

ClinVar aggregate classification (germline): Uncertain significance (1 of 4 stars; one submission).

Allele frequency attached by ClinVar (database versions not stated): gnomAD exomes 0.00001; TOPMed 0.00001.
gnomAD v4.1: 19 of 1,612,840 alleles (0.0012%); highest among the groups gnomAD compares: Middle Eastern, 0.017%; no homozygotes.

Submission:

Labcorp Genetics (formerly Invitae), Labcorp
Classification: Uncertain significance. Last evaluated: 2023-02-23. Review status: criteria provided, single submitter. Criteria: Invitae Variant Classification Sherloc (09022015). Collection method: clinical testing. Allele origin: germline.
Comment: In summary, the available evidence is currently insufficient to determine the role of this variant in disease. Therefore, it has been classified as a Variant of Uncertain Significance. Advanced modeling of protein sequence and biophysical properties (such as structural, functional, and spatial information, amino acid conservation, physicochemical variation, residue mobility, and thermodynamic stability) has been performed at Invitae for this missense variant, however the output from this modeling did not meet the statistical confidence thresholds required to predict the impact of this variant on SLC24A5 protein function. ClinVar contains an entry for this variant (Variation ID: 1488523). This variant has not been reported in the literature in individuals affected with SLC24A5-related conditions. This variant is present in population databases (no rsID available, gnomAD 0.0009%). This sequence change replaces valine, which is neutral and non-polar, with methionine, which is neutral and non-polar, at codon 404 of the SLC24A5 protein (p.Val404Met).